The following is an entry in ClinVar:

NM_024675.4(PALB2):c.713G>C (p.Arg238Thr)

Gene: PALB2 (partner and localizer of BRCA2; minus strand). Cytogenetic location: 16p12.2.
Variant type: single nucleotide variant.
Coding change: c.713G>C on transcript NM_024675.4 (MANE Select); coding-DNA position 713, G replaced by C.
Protein change: p.Arg238Thr; replaces arginine 238 with threonine.
Molecular consequence: missense variant.
Genome position (GRCh38, 1-based): chr16:23,635,833, C>G on the plus strand (G>C on the coding strand, the complement: PALB2 is on the minus strand). VCF-style: chr16-23635833-C-G. GRCh37 (hg19) VCF-style: chr16-23647154-C-G.
Other names: short protein forms R238T.
Identifiers: ClinVar variation 826863 (VCV000826863.4), dbSNP rs1567222480, ClinGen allele CA395136334.

ClinVar aggregate classification (germline): Uncertain significance (1 of 4 stars; one submission).

Conditions:
Hereditary cancer-predisposing syndrome. Also called: Neoplastic Syndromes, Hereditary; Tumor predisposition; Hereditary neoplastic syndrome; Hereditary Cancer Syndrome. Identifiers: Orphanet 140162, MedGen C0027672, MeSH D009386, MONDO:0015356.

Submission:

Ambry Genetics
Classification: Uncertain significance for Hereditary cancer-predisposing syndrome. Last evaluated: 2018-09-12. Review status: criteria provided, single submitter. Criteria: Ambry Variant Classification Scheme 2023. Collection method: clinical testing. Allele origin: germline.
Comment: The p.R238T variant (also known as c.713G>C), located in coding exon 4 of the PALB2 gene, results from a G to C substitution at nucleotide position 713. The arginine at codon 238 is replaced by threonine, an amino acid with similar properties. This amino acid position is not well conserved in available vertebrate species. In addition, this alteration is predicted to be tolerated by in silico analysis. Since supporting evidence is limited at this time, the clinical significance of this alteration remains unclear.